The following is an entry in ClinVar:

ClinVar aggregate classification (germline): Uncertain significance. Review status: criteria provided, multiple submitters, no conflicts (2 of 4 stars). 2 submissions from 2 submitters: Uncertain significance (2). Last evaluated 2025-09-22.

Conditions:
Inborn genetic diseases. Identifiers: MedGen C0950123, MeSH D030342.

gnomAD v4.1: 60 of 1,613,534 alleles (0.0037%); highest among the groups gnomAD compares: Non-Finnish European, 0.0047%; no homozygotes.

Submissions (2):

Ambry Genetics
Classification: Uncertain significance for Inborn genetic diseases. Last evaluated: 2025-09-22. Review status: criteria provided, single submitter. Criteria: Ambry Variant Classification Scheme 2023. Collection method: clinical testing. Allele origin: germline.

GeneDx
Classification: Uncertain significance. Last evaluated: 2024-10-04. Review status: criteria provided, single submitter. Criteria: GeneDx Variant Classification Process June 2021. Collection method: clinical testing. Allele origin: germline. Affected: yes.
Comment: In silico analysis indicates that this missense variant does not alter protein structure/function; In silico analysis suggests this variant may impact gene splicing. In the absence of RNA/functional studies, the actual effect of this sequence change is unknown.; Has not been previously published as pathogenic or benign to our knowledge

NM_015378.4(VPS13D):c.4537A>C (p.Ser1513Arg)

Gene: VPS13D (vacuolar protein sorting 13 homolog D; plus strand). Cytogenetic location: 1p36.22.
Variant type: single nucleotide variant.
Coding change: c.4537A>C on transcript NM_015378.4 (MANE Select); coding-DNA position 4537, A replaced by C.
Protein change: p.Ser1513Arg; replaces serine 1513 with arginine.
Molecular consequence: missense variant.
Genome position (GRCh38, 1-based): chr1:12,279,585, A>C. VCF-style: chr1-12279585-A-C. GRCh37 (hg19) VCF-style: chr1-12339642-A-C.
Other names: c.4537A>C, p.Ser1513Arg (NM_018156.4); c.4537A>C (NM_015378.2); short protein forms S1513R.
Identifiers: ClinVar variation 3776716 (VCV003776716.2).